The following is an entry in ClinVar:

ClinVar aggregate classification (germline): Uncertain significance (1 of 4 stars; one submission).

Submission:

Labcorp Genetics (formerly Invitae), Labcorp
Classification: Uncertain significance. Last evaluated: 2025-02-02. Review status: criteria provided, single submitter. Criteria: Invitae Variant Classification Sherloc (09022015). Collection method: clinical testing. Allele origin: germline.
Comment: This sequence change replaces proline, which is neutral and non-polar, with threonine, which is neutral and polar, at codon 128 of the MYH3 protein (p.Pro128Thr). This variant is not present in population databases (gnomAD no frequency). This variant has not been reported in the literature in individuals affected with MYH3-related conditions. Invitae Evidence Modeling of protein sequence and biophysical properties (such as structural, functional, and spatial information, amino acid conservation, physicochemical variation, residue mobility, and thermodynamic stability) has been performed for this missense variant. However, the output from this modeling did not meet the statistical confidence thresholds required to predict the impact of this variant on MYH3 protein function. In summary, the available evidence is currently insufficient to determine the role of this variant in disease. Therefore, it has been classified as a Variant of Uncertain Significance.

NM_002470.4(MYH3):c.382C>A (p.Pro128Thr)

Gene: MYH3 (myosin heavy chain 3; minus strand). Cytogenetic location: 17p13.1.
Variant type: single nucleotide variant.
Coding change: c.382C>A on transcript NM_002470.4 (MANE Select); coding-DNA position 382, C replaced by A.
Protein change: p.Pro128Thr; replaces proline 128 with threonine.
Molecular consequence: missense variant.
Genome position (GRCh38, 1-based): chr17:10,651,635, G>T on the plus strand (C>A on the coding strand, the complement: MYH3 is on the minus strand). VCF-style: chr17-10651635-G-T. GRCh37 (hg19) VCF-style: chr17-10554952-G-T.
Other names: short protein forms P128T.
Identifiers: ClinVar variation 3634464 (VCV003634464.2).